The following is an entry in ClinVar:

ClinVar aggregate classification (germline): Uncertain significance (1 of 4 stars; one submission).

Submission:

GeneDx
Classification: Uncertain significance. Last evaluated: 2024-08-19. Review status: criteria provided, single submitter. Criteria: GeneDx Variant Classification Process June 2021. Collection method: clinical testing. Allele origin: germline. Affected: yes.
Comment: Not observed at significant frequency in large population cohorts (gnomAD); In silico analysis supports that this missense variant has a deleterious effect on protein structure/function; Has not been previously published as pathogenic or benign to our knowledge

NM_015981.4(CAMK2A):c.83G>C (p.Arg28Pro)

Gene: CAMK2A (calcium/calmodulin dependent protein kinase II alpha; minus strand). Cytogenetic location: 5q32.
Variant type: single nucleotide variant.
Coding change: c.83G>C on transcript NM_015981.4 (MANE Select); coding-DNA position 83, G replaced by C.
Protein change: p.Arg28Pro; replaces arginine 28 with proline.
Molecular consequence: missense variant.
Genome position (GRCh38, 1-based): chr5:150,273,139, C>G on the plus strand (G>C on the coding strand, the complement: CAMK2A is on the minus strand). VCF-style: chr5-150273139-C-G. GRCh37 (hg19) VCF-style: chr5-149652702-C-G.
Other names: c.83G>C, p.Arg28Pro (NM_001363989.1, NM_001363990.1, NM_001369025.2 and 1 more transcripts); short protein forms R28P.
Identifiers: ClinVar variation 3764213 (VCV003764213.1).